The following is an entry in ClinVar:

ClinVar aggregate classification (germline): Uncertain significance (1 of 4 stars; one submission).

Conditions:
Hereditary spastic paraplegia 31. Also called: SPASTIC PARAPLEGIA 31, AUTOSOMAL DOMINANT. Identifiers: Orphanet 101011, MedGen C1853247, MONDO:0012453, OMIM 610250.

Submission:

Center for Human Genetics and Genomic Medicine, Uniklinik Rwth Aachen
Classification: Uncertain significance for Hereditary spastic paraplegia 31. Last evaluated: 2023-12-05. Review status: criteria provided, single submitter. Criteria: ACMG Guidelines, 2015. Collection method: clinical testing. Allele origin: unknown. Affected: yes. Observed: 1 heterozygote.
Comment: To date, this variant is not listed in population databases (gnomAD v2.1.1) and has not been reported in the literature in individuals with REEP1-related conditions. Computational prediction suggests that this variant may impact protein structure and/or function (SIFT: "Deleterious"; PolyPhen-2: "Probably Damaging"; Align-GVGD: "Class C56"). Based on this evidence, the clinical significance of this alteration remains unclear.

NM_001371279.1(REEP1):c.122A>G (p.Tyr41Cys)

Gene: REEP1 (receptor accessory protein 1; minus strand). Cytogenetic location: 2p11.2.
Variant type: single nucleotide variant.
Coding change: c.122A>G on transcript NM_001371279.1 (MANE Select); coding-DNA position 122, A replaced by G.
Protein change: p.Tyr41Cys; replaces tyrosine 41 with cysteine.
Molecular consequence: missense variant.
Genome position (GRCh38, 1-based): chr2:86,264,025, T>C on the plus strand (A>G on the coding strand, the complement: REEP1 is on the minus strand). VCF-style: chr2-86264025-T-C. GRCh37 (hg19) VCF-style: chr2-86491148-T-C.
Other names: c.143A>G, p.Tyr48Cys (NM_001164730.2); c.41A>G, p.Tyr14Cys (NM_001164731.2); c.122A>G, p.Tyr41Cys (NM_001164732.2, NM_001371280.1, NM_001410855.1 and 2 more transcripts); short protein forms Y14C, Y41C, Y48C.
Identifiers: ClinVar variation 2672316 (VCV002672316.2), dbSNP rs2468890877, ClinGen allele CA347720105.